The following is an entry in ClinVar:

NM_001101.5(ACTB):c.99C>T (p.Ser33=)

Gene: ACTB (actin beta; minus strand). Cytogenetic location: 7p22.1.
Variant type: single nucleotide variant.
Coding change: c.99C>T on transcript NM_001101.5 (MANE Select); coding-DNA position 99, C replaced by T.
Protein change: p.Ser33=; no amino-acid change (serine 33 retained).
Molecular consequence: synonymous variant.
Genome position (GRCh38, 1-based): chr7:5,529,559, G>A on the plus strand (C>T on the coding strand, the complement: ACTB is on the minus strand). VCF-style: chr7-5529559-G-A. GRCh37 (hg19) VCF-style: chr7-5569190-G-A.
Other names: c.99C>T (LRG_132t1).
Identifiers: ClinVar variation 516208 (VCV000516208.1), dbSNP rs749919451, ClinGen allele CA4147194.

ClinVar aggregate classification (germline): Likely benign (1 of 4 stars; one submission).

Allele frequency attached by ClinVar (database versions not stated): gnomAD exomes below 0.00001; ExAC 0.00001.
gnomAD v4.1: 5 of 1,611,636 alleles (0.00031%); highest among the groups gnomAD compares: East Asian, 0.0089%; no homozygotes.

Submission:

GeneDx
Classification: Likely benign. Last evaluated: 2017-08-16. Review status: criteria provided, single submitter. Criteria: GeneDx Variant Classification (06012015). Collection method: clinical testing. Allele origin: germline. Affected: yes.
Comment: This variant is considered likely benign or benign based on one or more of the following criteria: it is a conservative change, it occurs at a poorly conserved position in the protein, it is predicted to be benign by multiple in silico algorithms, and/or has population frequency not consistent with disease.